The following is an entry in ClinVar:

NM_001163435.3(TBCK):c.1666C>G (p.Leu556Val)

Gene: TBCK (TBC1 domain containing kinase; minus strand). Cytogenetic location: 4q24.
Variant type: single nucleotide variant.
Coding change: c.1666C>G on transcript NM_001163435.3 (MANE Select); coding-DNA position 1666, C replaced by G.
Protein change: p.Leu556Val; replaces leucine 556 with valine.
Molecular consequence: missense variant.
Genome position (GRCh38, 1-based): chr4:106,231,753, G>C on the plus strand (C>G on the coding strand, the complement: TBCK is on the minus strand). VCF-style: chr4-106231753-G-C. GRCh37 (hg19) VCF-style: chr4-107152910-G-C.
Other names: c.1150C>G, p.Leu384Val (NM_001290768.2); c.1477C>G, p.Leu493Val (NM_033115.5); c.1666C>G (NM_001163435.1); c.1666C>G, p.Leu556Val (NM_001163436.4); c.1549C>G, p.Leu517Val (NM_001163437.3); short protein forms L517V, L384V, L493V, L556V.
Identifiers: ClinVar variation 1493934 (VCV001493934.6), dbSNP rs773173168, ClinGen allele CA3034985.

ClinVar aggregate classification (germline): Uncertain significance. Review status: criteria provided, multiple submitters, no conflicts (2 of 4 stars). 2 submissions from 2 submitters: Uncertain significance (2). Last evaluated 2022-05-15.

Conditions:
Inborn genetic diseases. Identifiers: MedGen C0950123, MeSH D030342.

Allele frequency attached by ClinVar (database versions not stated): ExAC 0.00002; gnomAD 0.00002 and 0.00003; gnomAD exomes 0.00002; TOPMed 0.00002.
gnomAD v4.1: 13 of 1,609,746 alleles (0.00081%); highest among the groups gnomAD compares: East Asian, 0.022%; no homozygotes.

Submissions (2):

Labcorp Genetics (formerly Invitae), Labcorp
Classification: Uncertain significance. Last evaluated: 2022-05-15. Review status: criteria provided, single submitter. Criteria: Invitae Variant Classification Sherloc (09022015). Collection method: clinical testing. Allele origin: germline.
Comment: This sequence change replaces leucine, which is neutral and non-polar, with valine, which is neutral and non-polar, at codon 556 of the TBCK protein (p.Leu556Val). The frequency data for this variant in the population databases is considered unreliable, as metrics indicate poor data quality at this position in the gnomAD database. This variant has not been reported in the literature in individuals affected with TBCK-related conditions. Algorithms developed to predict the effect of missense changes on protein structure and function are either unavailable or do not agree on the potential impact of this missense change (SIFT: "Deleterious"; PolyPhen-2: "Possibly Damaging"; Align-GVGD: "Class C0"). In summary, the available evidence is currently insufficient to determine the role of this variant in disease. Therefore, it has been classified as a Variant of Uncertain Significance.

Ambry Genetics
Classification: Uncertain significance for Inborn genetic diseases. Last evaluated: 2020-12-10. Review status: criteria provided, single submitter. Criteria: Ambry Variant Classification Scheme 2023. Collection method: clinical testing. Allele origin: germline.
Comment: The c.1666C>G (p.L556V) alteration is located in exon 18 (coding exon 17) of the TBCK gene. This alteration results from a C to G substitution at nucleotide position 1666, causing the leucine (L) at amino acid position 556 to be replaced by a valine (V). The in silico prediction for the p.L556V alteration is inconclusive. Based on insufficient or conflicting evidence, the clinical significance of this alteration remains unclear.